The following is an entry in ClinVar:

ClinVar aggregate classification (germline): Uncertain significance (1 of 4 stars; one submission).

Conditions:
SMO-related disorder. Also called: SMO-related condition.

Allele frequency attached by ClinVar (database versions not stated): gnomAD exomes 0.00001; gnomAD 0.00002; TOPMed 0.00002.
gnomAD v4.1: 8 of 1,610,100 alleles (0.0005%); highest among the groups gnomAD compares: African/African-American, 0.0027%; no homozygotes.

Submission:

PreventionGenetics, part of Exact Sciences
Classification: Uncertain significance for SMO-related condition. Last evaluated: 2022-08-22. Review status: criteria provided, single submitter. Criteria: ACMG Guidelines, 2015. Collection method: clinical testing. Allele origin: germline.
Comment: The SMO c.880G>A variant is predicted to result in the amino acid substitution p.Val294Ile. To our knowledge, this variant has not been reported in the literature. This variant is reported in 0.0040% of alleles in individuals of African descent in gnomAD. At this time, the clinical significance of this variant is uncertain due to the absence of conclusive functional and genetic evidence.

NM_005631.5(SMO):c.880G>A (p.Val294Ile)

Gene: SMO (smoothened, frizzled class receptor; plus strand). Cytogenetic location: 7q32.1.
Variant type: single nucleotide variant.
Coding change: c.880G>A on transcript NM_005631.5 (MANE Select); coding-DNA position 880, G replaced by A.
Protein change: p.Val294Ile; replaces valine 294 with isoleucine.
Molecular consequence: missense variant.
Genome position (GRCh38, 1-based): chr7:129,205,742, G>A. VCF-style: chr7-129205742-G-A. GRCh37 (hg19) VCF-style: chr7-128845583-G-A.
Other names: short protein forms V294I.
Identifiers: ClinVar variation 2632005 (VCV002632005.1), dbSNP rs764495218, ClinGen allele CA4479231.
Genomic context (GRCh38, chr7:129,205,742, plus strand): 5'-TTCTTTGTGGGCAGCATTGGCTGGCTGGCCCAGTTCATGGATGGTGCCCGCCGAGAGATC[G>A]TCTGCCGTGCAGATGGCACCATGAGGCTTGGGGAGCCCACGTAGGTGTCTTGGGGACCCA-3'
Protein context (NP_005622.1, residues 284-304): QFMDGARREI[Val294Ile]CRADGTMRLG